The following is an entry in ClinVar:

NM_032380.5(GFM2):c.265A>G (p.Arg89Gly)

Gene: GFM2 (GTP dependent ribosome recycling factor mitochondrial 2; minus strand). Cytogenetic location: 5q13.3.
Variant type: single nucleotide variant.
Coding change: c.265A>G on transcript NM_032380.5 (MANE Select); coding-DNA position 265, A replaced by G.
Protein change: p.Arg89Gly; replaces arginine 89 with glycine.
Molecular consequence: missense variant. On other transcripts: non-coding transcript variant (1).
Genome position (GRCh38, 1-based): chr5:74,758,888, T>C on the plus strand (A>G on the coding strand, the complement: GFM2 is on the minus strand). VCF-style: chr5-74758888-T-C. GRCh37 (hg19) VCF-style: chr5-74054713-T-C.
Other names: c.361A>G, p.Arg121Gly (NM_001281302.2); c.265A>G, p.Arg89Gly (NM_170681.3, NM_170691.3); short protein forms R121G, R89G.
Identifiers: ClinVar variation 3899034 (VCV003899034.1).

ClinVar aggregate classification (germline): Uncertain significance (1 of 4 stars; one submission).

gnomAD v4.1: 7 of 1,610,070 alleles (0.00043%); highest among the groups gnomAD compares: Non-Finnish European, 0.0006%; no homozygotes.

Submission:

GeneDx
Classification: Uncertain significance. Last evaluated: 2024-11-06. Review status: criteria provided, single submitter. Criteria: GeneDx Variant Classification Process June 2021. Collection method: clinical testing. Allele origin: germline. Affected: yes.
Comment: Not observed at significant frequency in large population cohorts (gnomAD); In silico analysis supports that this missense variant has a deleterious effect on protein structure/function; Has not been previously published as pathogenic or benign to our knowledge